The following is an entry in ClinVar:

NM_001204.7(BMPR2):c.1861A>G (p.Thr621Ala)

Gene: BMPR2 (bone morphogenetic protein receptor type 2; plus strand). Cytogenetic location: 2q33.2.
Variant type: single nucleotide variant.
Coding change: c.1861A>G on transcript NM_001204.7 (MANE Select); coding-DNA position 1861, A replaced by G.
Protein change: p.Thr621Ala; replaces threonine 621 with alanine.
Molecular consequence: missense variant.
Genome position (GRCh38, 1-based): chr2:202,555,526, A>G. VCF-style: chr2-202555526-A-G. GRCh37 (hg19) VCF-style: chr2-203420249-A-G.
Other names: short protein forms T621A.
Identifiers: ClinVar variation 3824884 (VCV003824884.1).

ClinVar aggregate classification (germline): Uncertain significance (1 of 4 stars; one submission).

Conditions:
Inborn genetic diseases. Identifiers: MedGen C0950123, MeSH D030342.

Submission:

Ambry Genetics
Classification: Uncertain significance for Inborn genetic diseases. Last evaluated: 2025-02-05. Review status: criteria provided, single submitter. Criteria: Ambry Variant Classification Scheme 2023. Collection method: clinical testing. Allele origin: germline.
Comment: The p.T621A variant (also known as c.1861A>G), located in coding exon 12 of the BMPR2 gene, results from an A to G substitution at nucleotide position 1861. The threonine at codon 621 is replaced by alanine, an amino acid with similar properties. This amino acid position is conserved. In addition, the in silico prediction for this alteration is inconclusive. Based on the available evidence, the clinical significance of this variant remains unclear.